The following is an entry in ClinVar:

NM_001048174.2(MUTYH):c.378+1del

Gene: MUTYH (mutY DNA glycosylase; minus strand). Cytogenetic location: 1p34.1.
Variant type: Deletion.
Coding change: c.378+1del on transcript NM_001048174.2 (MANE Select); the canonical splice donor site of the intron after coding-DNA position 378, one base deleted (G; older notation c.378+1delG).
Molecular consequence: splice donor variant. On other transcripts: intron variant (3).
Genome position (GRCh38, 1-based): chr1:45,333,096, C deleted on the plus strand (G on the coding strand, the reverse complement: MUTYH is on the minus strand); the first of 2 consecutive C bases (chr1:45,333,096-45,333,097); deleting either gives the same sequence. VCF-style (leftmost placement, unchanged base first): chr1-45333095-AC-A. GRCh37 (hg19) VCF-style: chr1-45798767-AC-A.
Other names: c.378+1del (NM_001407072.1, NM_001048171.2, NM_001407070.1 and 6 more transcripts); c.34-137del (NM_001350651.2, NM_001350650.2, NM_001407082.1); c.102+1del (NM_001293192.2, NM_001293196.2, NM_001407091.1); c.420+1del (NM_001407073.1, NM_001407083.1, NM_001407085.1); c.423+1del (NM_001293190.2); c.453+1del (NM_001407069.1, NM_012222.3); c.462+1del (NM_001128425.2); c.381+1del (NM_001407071.1, NM_001407079.1, NM_001048172.2 and 2 more transcripts); and 3 more.
Identifiers: ClinVar variation 1741959 (VCV001741959.7), dbSNP rs2524216149, ClinGen allele CA2580063141.

ClinVar aggregate classification (germline): Likely pathogenic. Review status: criteria provided, multiple submitters, no conflicts (2 of 4 stars). 2 submissions from 2 submitters: Likely pathogenic (2). Last evaluated 2021-12-27.

Conditions:
Hereditary cancer-predisposing syndrome. Also called: Hereditary Cancer Syndrome; Hereditary neoplastic syndrome; Neoplastic Syndromes, Hereditary; Tumor predisposition. Identifiers: Orphanet 140162, MedGen C0027672, MeSH D009386, MONDO:0015356.
Familial adenomatous polyposis 2. Also called: MUTYH-associated polyposis; MUTYH-related attenuated familial adenomatous polyposis; FAP type 2; Adenomas, multiple colorectal; MYH-associated polyposis; MUTYH Polyposis. Identifiers: Orphanet 220460, Orphanet 247798, MedGen C3272841, MONDO:0012041, OMIM 608456.

Submissions (2):

Labcorp Genetics (formerly Invitae), Labcorp
Classification: Likely pathogenic for Familial adenomatous polyposis 2. Last evaluated: 2021-12-27. Review status: criteria provided, single submitter. Criteria: Invitae Variant Classification Sherloc (09022015). Collection method: clinical testing. Allele origin: germline.
Comment: This sequence change affects a splice site in intron 5 of the MUTYH gene. It is expected to disrupt RNA splicing. Variants that disrupt the donor or acceptor splice site typically lead to a loss of protein function (PMID: 16199547), and loss-of-function variants in MUTYH are known to be pathogenic (PMID: 18534194, 20663686). This variant is not present in population databases (gnomAD no frequency). This variant has not been reported in the literature in individuals affected with MUTYH-related conditions. Algorithms developed to predict the effect of sequence changes on RNA splicing suggest that this variant may disrupt the consensus splice site. In summary, the currently available evidence indicates that the variant is pathogenic, but additional data are needed to prove that conclusively. Therefore, this variant has been classified as Likely Pathogenic.

Ambry Genetics
Classification: Likely pathogenic for Hereditary cancer-predisposing syndrome. Last evaluated: 2020-10-28. Review status: criteria provided, single submitter. Criteria: Ambry Variant Classification Scheme 2023. Collection method: clinical testing. Allele origin: germline.
Comment: The c.462+1delG intronic variant results from a deletion of one nucleotide after coding exon 5 of the MUTYH gene. This nucleotide position is highly conserved in available vertebrate species. In silico splice site analysis predicts that this alteration will weaken the native splice donor site. Alterations that disrupt the canonical splice site are expected to cause aberrant splicing, resulting in an abnormal protein or a transcript that is subject to nonsense-mediated mRNA decay. As such, this alteration is classified as likely pathogenic.

Literature cited by the submitters: PubMed 16199547 (cited by Labcorp Genetics (formerly Invitae), Labcorp); PubMed 18534194 (cited by Labcorp Genetics (formerly Invitae), Labcorp); PubMed 20663686 (cited by Labcorp Genetics (formerly Invitae), Labcorp).